The following is an entry in ClinVar:

ClinVar aggregate classification (germline): Uncertain significance (1 of 4 stars; one submission).

Submission:

GeneDx
Classification: Uncertain significance. Last evaluated: 2026-02-20. Review status: criteria provided, single submitter. Criteria: GeneDx Variant Classification Process June 2021. Collection method: clinical testing. Allele origin: germline.
Comment: Has not been previously published as pathogenic or benign to our knowledge; Not observed at significant frequency in large population cohorts (gnomAD); In silico analysis suggests that this missense variant does not alter protein structure/function

NM_005334.3(HCFC1):c.524T>C (p.Ile175Thr)

Gene: HCFC1 (host cell factor C1; minus strand). Cytogenetic location: Xq28.
Variant type: single nucleotide variant.
Coding change: c.524T>C on transcript NM_005334.3 (MANE Select); coding-DNA position 524, T replaced by C.
Protein change: p.Ile175Thr; replaces isoleucine 175 with threonine.
Molecular consequence: missense variant.
Genome position (GRCh38, 1-based): chrX:153,963,413, A>G on the plus strand (T>C on the coding strand, the complement: HCFC1 is on the minus strand). VCF-style: chrX-153963413-A-G. GRCh37 (hg19) VCF-style: chrX-153228864-A-G.
Other names: c.524T>C, p.Ile175Thr (NM_001410705.1); short protein forms I175T.
Identifiers: ClinVar variation 3366090 (VCV003366090.2).